The following is an entry in ClinVar:

NM_015192.4(PLCB1):c.2387A>G (p.Lys796Arg)

Gene: PLCB1 (phospholipase C beta 1; plus strand). Cytogenetic location: 20p12.3.
Variant type: single nucleotide variant.
Coding change: c.2387A>G on transcript NM_015192.4 (MANE Select); coding-DNA position 2387, A replaced by G.
Protein change: p.Lys796Arg; replaces lysine 796 with arginine.
Molecular consequence: missense variant.
Genome position (GRCh38, 1-based): chr20:8,740,422, A>G. VCF-style: chr20-8740422-A-G. GRCh37 (hg19) VCF-style: chr20-8721069-A-G.
Other names: c.2387A>G, p.Lys796Arg (NM_182734.3); short protein forms K796R.
Identifiers: ClinVar variation 339510 (VCV000339510.6), dbSNP rs886056964, ClinGen allele CA10653455.

ClinVar aggregate classification (germline): Uncertain significance. Review status: criteria provided, multiple submitters, no conflicts (2 of 4 stars). 2 submissions from 2 submitters: Uncertain significance (2). Last evaluated 2025-08-29.

Conditions:
Developmental and epileptic encephalopathy, 12 (DEE12). Identifiers: MedGen C3150988, MONDO:0013389, OMIM 613722.

Allele frequency attached by ClinVar (database versions not stated): gnomAD 0.00001; TOPMed 0.00001; gnomAD exomes 0.00002.
gnomAD v4.1: 23 of 1,600,564 alleles (0.0014%); highest among the groups gnomAD compares: Non-Finnish European, 0.002%; no homozygotes.

Submissions (2):

Labcorp Genetics (formerly Invitae), Labcorp
Classification: Uncertain significance for Developmental and epileptic encephalopathy, 12. Last evaluated: 2025-08-29. Review status: criteria provided, single submitter. Criteria: Invitae Variant Classification Sherloc (09022015). Collection method: clinical testing. Allele origin: germline.
Comment: This sequence change replaces lysine, which is basic and polar, with arginine, which is basic and polar, at codon 796 of the PLCB1 protein (p.Lys796Arg). This variant is not present in population databases (gnomAD no frequency). This variant has not been reported in the literature in individuals affected with PLCB1-related conditions. ClinVar contains an entry for this variant (Variation ID: 339510). Invitae Evidence Modeling of protein sequence and biophysical properties (such as structural, functional, and spatial information, amino acid conservation, physicochemical variation, residue mobility, and thermodynamic stability) indicates that this missense variant is not expected to disrupt PLCB1 protein function with a negative predictive value of 80%. In summary, the available evidence is currently insufficient to determine the role of this variant in disease. Therefore, it has been classified as a Variant of Uncertain Significance.

Illumina Laboratory Services, Illumina
Classification: Uncertain significance for Developmental and epileptic encephalopathy, 12. Last evaluated: 2018-01-12. Review status: criteria provided, single submitter. Criteria: ICSL Variant Classification Criteria 13 December 2019. Collection method: clinical testing. Allele origin: germline.